The following is an entry in ClinVar:

NM_001370259.2(MEN1):c.1207G>T (p.Ala403Ser)

Gene: MEN1 (menin 1; minus strand). Cytogenetic location: 11q13.1.
Variant type: single nucleotide variant.
Coding change: c.1207G>T on transcript NM_001370259.2 (MANE Select); coding-DNA position 1207, G replaced by T.
Protein change: p.Ala403Ser; replaces alanine 403 with serine.
Molecular consequence: missense variant. On other transcripts: non-coding transcript variant (4), intron variant (1).
Genome position (GRCh38, 1-based): chr11:64,805,177, C>A on the plus strand (G>T on the coding strand, the complement: MEN1 is on the minus strand). VCF-style: chr11-64805177-C-A. GRCh37 (hg19) VCF-style: chr11-64572649-C-A.
Other names: c.1222G>T, p.Ala408Ser (NM_000244.4, NM_001407145.1, NM_130800.3 and 4 more transcripts); c.1333G>T, p.Ala445Ser (NM_001370251.2, NM_001407142.1, NM_001407143.1 and 1 more transcripts); c.1207G>T, p.Ala403Ser (NM_001370260.2, NM_001370261.2, NM_001407146.1 and 2 more transcripts); c.1102G>T, p.Ala368Ser (NM_001370262.2, NM_001370263.2, NM_001407148.1 and 1 more transcripts); c.1348G>T, p.Ala450Ser (NM_001407150.1); c.1228G>T, p.Ala410Ser (NM_001407151.1); c.1186-361G>T (NM_001407152.1); short protein forms A450S, A368S, A410S, A408S, A403S, A445S.
Identifiers: ClinVar variation 5024306 (VCV005024306.1).

ClinVar aggregate classification (germline): Uncertain significance (1 of 4 stars; one submission).

Conditions:
Hereditary cancer-predisposing syndrome. Also called: Neoplastic Syndromes, Hereditary; Tumor predisposition; Hereditary neoplastic syndrome; Hereditary Cancer Syndrome. Identifiers: Orphanet 140162, MedGen C0027672, MeSH D009386, MONDO:0015356.

Submission:

Ambry Genetics
Classification: Uncertain significance for Hereditary cancer-predisposing syndrome. Last evaluated: 2026-08-23. Review status: criteria provided, single submitter. Criteria: Ambry Variant Classification Scheme 2023. Collection method: clinical testing. Allele origin: germline.
Comment: The p.A403S variant (also known as c.1207G>T), located in coding exon 8 of the MEN1 gene, results from a G to T substitution at nucleotide position 1207. The alanine at codon 403 is replaced by serine, an amino acid with similar properties. This amino acid position is conserved. In addition, the in silico prediction for this alteration is inconclusive. Based on the available evidence, the clinical significance of this variant remains unclear.